The following is an entry in ClinVar:

NM_018255.4(ELP2):c.1125+3A>C

Gene: ELP2 (elongator acetyltransferase complex subunit 2; plus strand). Cytogenetic location: 18q12.2.
Variant type: single nucleotide variant.
Coding change: c.1125+3A>C on transcript NM_018255.4 (MANE Select); 3 bases into the intron after coding-DNA position 1125, A replaced by C.
Molecular consequence: intron variant.
Genome position (GRCh38, 1-based): chr18:36,146,384, A>C. VCF-style: chr18-36146384-A-C. GRCh37 (hg19) VCF-style: chr18-33726347-A-C.
Other names: c.1320+3A>C (NM_001242875.3); c.1125+3A>C (NM_001324467.2); c.993+336A>C (NM_001324465.2); c.1242+3A>C (NM_001324466.2); c.1110+336A>C (NM_001242876.3); c.1047+3A>C (NM_001242877.3); c.915+336A>C (NM_001242878.3); c.915+3A>C (NM_001242879.3); and 1 more.
Identifiers: ClinVar variation 4292653 (VCV004292653.1).

ClinVar aggregate classification (germline): Uncertain significance (1 of 4 stars; one submission).

Conditions:
Intellectual developmental disorder, autosomal recessive 58. Also called: Intellectual disability, autosomal recessive 58. Identifiers: MedGen C4310641, MONDO:0014996, OMIM 617270.

Submission:

3billion
Classification: Uncertain significance for Intellectual developmental disorder, autosomal recessive 58. Last evaluated: 2025-01-30. Review status: criteria provided, single submitter. Criteria: ACMG Guidelines, 2015. Collection method: clinical testing. Allele origin: germline. Affected: yes.
Comment: The variant is not observed in the gnomAD v4.1.0 dataset. Predicted Consequence/Location: Intron variant In silico tools predict the variant to alter splicing and produce an abnormal transcript [SpliceAI: 0.97 (>=0.2, moderate evidence for spliceogenicity)]. Therefore, this variant is classified as VUS according to the recommendation of ACMG/AMP guideline.